The following is an entry in ClinVar:

ClinVar aggregate classification (germline): Uncertain significance (1 of 4 stars; one submission).

Submission:

GeneDx
Classification: Uncertain significance. Last evaluated: 2024-05-01. Review status: criteria provided, single submitter. Criteria: GeneDx Variant Classification Process June 2021. Collection method: clinical testing. Allele origin: germline. Affected: yes.
Comment: Has not been previously published as pathogenic or benign to our knowledge; Not observed at significant frequency in large population cohorts (gnomAD); In silico analysis indicates that this missense variant does not alter protein structure/function

NM_004387.4(NKX2-5):c.26C>G (p.Pro9Arg)

Gene: NKX2-5 (NK2 homeobox 5; minus strand). Cytogenetic location: 5q35.1.
Variant type: single nucleotide variant.
Coding change: c.26C>G on transcript NM_004387.4 (MANE Select); coding-DNA position 26, C replaced by G.
Protein change: p.Pro9Arg; replaces proline 9 with arginine.
Molecular consequence: missense variant.
Genome position (GRCh38, 1-based): chr5:173,235,058, G>C on the plus strand (C>G on the coding strand, the complement: NKX2-5 is on the minus strand). VCF-style: chr5-173235058-G-C. GRCh37 (hg19) VCF-style: chr5-172662061-G-C.
Other names: c.26C>G, p.Pro9Arg (NM_001166175.2, NM_001166176.2); short protein forms P9R.
Identifiers: ClinVar variation 3373305 (VCV003373305.1).
Genomic context (GRCh38, chr5:173,235,058, plus strand): 5'-GCAGCCAGGCTGCGCTGCTGCTGTTCCAGGTTTAGGATGTCTTTGACTGAGAAGGGCGTG[G>C]GCGTGAGAGCAGGGCTGGGGAACATGGTGGCAGCGCCAGTCTCACAGCGCCAGGTGGGCG-3'
Protein context (NP_004378.1, residues 1-19): MFPSPALT[Pro9Arg]TPFSVKDILN